The following is an entry in ClinVar:

ClinVar aggregate classification (germline): Likely benign (1 of 4 stars; one submission).

Conditions:
EHHADH-related disorder. Also called: EHHADH-related condition.

gnomAD v4.1: 1 of 1,605,640 alleles (0.000062%); highest among the groups gnomAD compares: Non-Finnish European, 0.000085%; no homozygotes.

Submission:

PreventionGenetics, part of Exact Sciences
Classification: Likely benign for EHHADH-related condition. Last evaluated: 2025-06-18. Review status: criteria provided, single submitter. Criteria: ACMG Guidelines, 2015. Collection method: clinical testing. Allele origin: germline.
Comment: This variant is classified as likely benign based on ACMG/AMP sequence variant interpretation guidelines (Richards et al. 2015 PMID: 25741868, with internal and published modifications).

NM_001966.4(EHHADH):c.489A>T (p.Ala163=)

Gene: EHHADH (enoyl-CoA hydratase and 3-hydroxyacyl CoA dehydrogenase; minus strand). Cytogenetic location: 3q27.2.
Variant type: single nucleotide variant.
Coding change: c.489A>T on transcript NM_001966.4 (MANE Select); coding-DNA position 489, A replaced by T.
Protein change: p.Ala163=; no amino-acid change (alanine 163 retained).
Molecular consequence: synonymous variant.
Genome position (GRCh38, 1-based): chr3:185,218,215, T>A on the plus strand (A>T on the coding strand, the complement: EHHADH is on the minus strand). VCF-style: chr3-185218215-T-A. GRCh37 (hg19) VCF-style: chr3-184936003-T-A.
Other names: c.201A>T, p.Ala67= (NM_001166415.2).
Identifiers: ClinVar variation 4998732 (VCV004998732.1).